The following is an entry in ClinVar:

ClinVar aggregate classification (germline): Conflicting classifications of pathogenicity. Review status: criteria provided, conflicting classifications (1 of 4 stars). 3 submissions from 3 submitters: Likely pathogenic (2); Uncertain significance (1). Last evaluated 2024-06-24.

Conditions:
Very long chain acyl-CoA dehydrogenase deficiency (ACADVLD). Also called: Very Long-Chain Acyl-Coenzyme A Dehydrogenase Deficiency; VLCAD Deficiency. Identifiers: Orphanet 26793, MedGen C3887523, MONDO:0008723, OMIM 201475.

Submissions (3):

Natera, Inc.
Classification: Likely pathogenic for Very long chain acyl-CoA dehydrogenase deficiency. Last evaluated: 2024-06-24. Review status: criteria provided, single submitter. Criteria: Natera Variant Classification Schema (03/2026). Collection method: clinical testing. Allele origin: germline.
Comment: The c.1666_1668delAAG variant in ACADVL is an in-frame deletion predicted to remove lysine at amino acid 556 while preserving the reading frame. This variant is rare in the general population with a frequency below the threshold expected for the associated phenotype(s). This variant has been observed in one or more individuals affected with the associated recessive disease, as either homozygous or compound heterozygous with a second variant (PMID: 30194637). This variant results in a change to the protein length while preserving reading frame, which may disrupt normal protein structure or function. Computational prediction algorithms indicate this variant is likely to affect gene or protein function. Given the available evidence, this variant is classified as Likely Pathogenic.

Fulgent Genetics
Classification: Likely pathogenic for Very long chain acyl-CoA dehydrogenase deficiency. Last evaluated: 2024-05-24. Review status: criteria provided, single submitter. Criteria: ACMG Guidelines, 2015. Collection method: clinical testing. Allele origin: germline.

Wong Mito Lab, Molecular and Human Genetics, Baylor College of Medicine
Classification: Uncertain significance for Very long chain acyl-CoA dehydrogenase deficiency. Last evaluated: 2019-11-01. Review status: criteria provided, single submitter. Criteria: ACMG Guidelines, 2015. Collection method: clinical testing. Allele origin: germline.
Comment: The NM_000018.3:c.1666_1668delAAG (NP_000009.1:p.Lys556del) [GRCH38: NC_000017.11:g.7224540_7224542del] variant in ACADVL gene is interpretated to be Uncertain Significance based on ACMG guidelines (PMID: 25741868). This variant has been reported. This variant dose not meet any evidence codes reported in the ACMG guidelines.

Literature cited by the submitters: PubMed 30194637 (cited by Natera, Inc.).

NM_000018.4(ACADVL):c.1663AAG[1] (p.Lys556del)

Gene: ACADVL (acyl-CoA dehydrogenase very long chain; plus strand). Cytogenetic location: 17p13.1.
Variant type: Microsatellite.
Coding change: c.1663AAG[1] on transcript NM_000018.4 (MANE Select); one copy of the 3-base unit AAG starting at c.1663; the reference has two copies in a row; one copy, 3 bases deleted; also written c.1666_1668del.
Protein change: p.Lys556del; deletes lysine 556.
Molecular consequence: inframe deletion.
Genome position (GRCh38, 1-based): chr17:7,224,540-7,224,542, AAG deleted; deleting any 3 consecutive bases within chr17:7,224,537-7,224,542 gives the same sequence; the position shown is the placement nearest the transcript's 3' end. VCF-style (leftmost placement, unchanged base first): chr17-7224536-CAAG-C. GRCh37 (hg19) VCF-style: chr17-7127855-CAAG-C.
Other names: c.1597AAG[1], p.Lys534del (NM_001033859.3); c.1732AAG[1], p.Lys579del (NM_001270447.2); c.1435AAG[1], p.Lys480del (NM_001270448.2); c.1666_1668del (NM_000018.4); short protein forms K579del, K556del, K480del, K534del.
Identifiers: ClinVar variation 932813 (VCV000932813.4), dbSNP rs866424446, ClinGen allele CA287440583.